The following is an entry in ClinVar:

NM_001377.3(DYNC2H1):c.11905G>A (p.Val3969Ile)

Gene: DYNC2H1 (dynein cytoplasmic 2 heavy chain 1; plus strand). Cytogenetic location: 11q22.3.
Variant type: single nucleotide variant.
Coding change: c.11905G>A on transcript NM_001377.3 (MANE Select); coding-DNA position 11905, G replaced by A.
Protein change: p.Val3969Ile; replaces valine 3969 with isoleucine.
Molecular consequence: missense variant.
Genome position (GRCh38, 1-based): chr11:103,321,208, G>A. VCF-style: chr11-103321208-G-A. GRCh37 (hg19) VCF-style: chr11-103191937-G-A.
Other names: c.11926G>A, p.Val3976Ile (NM_001080463.2); short protein forms V3976I, V3969I.
Identifiers: ClinVar variation 501496 (VCV000501496.20), dbSNP rs189100009, ClinGen allele CA6255393.
Genomic context (GRCh38, chr11:103,321,208, plus strand): 5'-AATTCTTCAGTTATTGATGTATTCAACCAAAGGAACAAGAAAAGCATTTTTCCATATTCC[G>A]TATCTCTACCACAATCCTGCAGCATTTTGGTAGGTAAAATGAATGATTTTCAATCTATTT-3'
Protein context (NP_001368.2, residues 3959-3979): RNKKSIFPYS[Val3969Ile]SLPQSCSILD

ClinVar aggregate classification (germline): Conflicting classifications of pathogenicity. Review status: criteria provided, conflicting classifications (1 of 4 stars). 7 submissions from 7 submitters: Uncertain significance (2); Likely benign (3). 2 of the submissions do not count toward it. Last evaluated 2026-01-28.

Conditions:
Jeune thoracic dystrophy. Also called: Jeune syndrome; Infantile thoracic dystrophy; Thoracic pelvic phalangeal dystrophy; Jeune's syndrome; Chondroectodermal dysplasia-like syndrome; Short-rib thoracic dysplasia. Identifiers: Orphanet 474, MedGen C0265275, MONDO:0018770.
DYNC2H1-related disorder. Also called: DYNC2H1-related condition; DYNC2H1-related disorders. Identifiers: MedGen CN378770.
Intellectual disability. Also called: Intellectual developmental disorder; intellectual disabilities; Intellectual functioning disability. Identifiers: MedGen C3714756, MeSH D008607, MONDO:0001071, HP:0001249.
Inborn genetic diseases. Identifiers: MedGen C0950123, MeSH D030342.
Asphyxiating thoracic dystrophy 3. Also called: POLYDACTYLY WITH NEONATAL CHONDRODYSTROPHY, TYPE I; Short rib polydactyly syndrome 2B; Saldino-Noonan Syndrome; SHORT-RIB THORACIC DYSPLASIA 3/6 WITH POLYDACTYLY, DIGENIC; SHORT-RIB THORACIC DYSPLASIA 3 WITH OR WITHOUT POLYDACTYLY. Identifiers: Orphanet 474, Orphanet 93269, Orphanet 93270, Orphanet 93271, MedGen C0036069, MONDO:0013127, OMIM 613091.

Allele frequency attached by ClinVar (database versions not stated): 1000 Genomes Project 0.00020; gnomAD exomes 0.00026; ExAC 0.00039; 1000 Genomes Project 30x 0.00047; gnomAD 0.00079 and 0.00087; ESP Exome Variant Server 0.00084; TOPMed 0.00093.
gnomAD v4.1: 266 of 1,609,654 alleles (0.017%); highest among the groups gnomAD compares: African/African-American, 0.29%; 1 homozygote.

Submissions (7):

Labcorp Genetics (formerly Invitae), Labcorp
Classification: Likely benign for Jeune thoracic dystrophy. Last evaluated: 2026-01-28. Review status: criteria provided, single submitter. Criteria: Invitae Variant Classification Sherloc (09022015). Collection method: clinical testing. Allele origin: germline.

Blueprint Genetics
Classification: Likely benign. Last evaluated: 2024-04-16. Review status: criteria provided, single submitter. Criteria: ACMG Guidelines, 2015. Collection method: clinical testing. Allele origin: germline.

Ambry Genetics
Classification: Likely benign for Inborn genetic diseases. Last evaluated: 2023-02-13. Review status: criteria provided, single submitter. Criteria: Ambry Variant Classification Scheme 2023. Collection method: clinical testing. Allele origin: germline.

Fulgent Genetics
Classification: Uncertain significance for Asphyxiating thoracic dystrophy 3. Last evaluated: 2018-10-31. Review status: criteria provided, single submitter. Criteria: ACMG Guidelines, 2015. Collection method: clinical testing. Allele origin: unknown.

Eurofins Ntd Llc (ga)
Classification: Uncertain significance. Last evaluated: 2017-04-14. Review status: criteria provided, single submitter. Criteria: EGL Classification Definitions 2015. Collection method: clinical testing. Allele origin: germline. Observed: 1 variant allele, 1 heterozygote.

PreventionGenetics, part of Exact Sciences
Classification: Likely benign for DYNC2H1-related condition. Last evaluated: 2024-08-07. Review status: no assertion criteria provided. Collection method: clinical testing. Allele origin: germline. Not counted in ClinVar's aggregate classification.
Comment: This variant is classified as likely benign based on ACMG/AMP sequence variant interpretation guidelines (Richards et al. 2015 PMID: 25741868, with internal and published modifications).

Centre de Biologie Pathologie Génétique, Centre Hospitalier Universitaire de Lille
Classification: Likely benign for Intellectual disability. Last evaluated: 2019-01-01. Review status: no assertion criteria provided. Collection method: clinical testing. Allele origin: inherited. Affected: yes. Not counted in ClinVar's aggregate classification.